The following is an entry in ClinVar:

NM_013451.4(MYOF):c.3922-10G>A

Gene: MYOF (myoferlin; minus strand). Cytogenetic location: 10q23.33.
Variant type: single nucleotide variant.
Coding change: c.3922-10G>A on transcript NM_013451.4 (MANE Select); 10 bases into the intron before coding-DNA position 3922, G replaced by A.
Molecular consequence: intron variant.
Genome position (GRCh38, 1-based): chr10:93,349,979, C>T on the plus strand (G>A on the coding strand, the complement: MYOF is on the minus strand). VCF-style: chr10-93349979-C-T. GRCh37 (hg19) VCF-style: chr10-95109736-C-T.
Other names: c.3883-10G>A (NM_133337.3).
Identifiers: ClinVar variation 3043329 (VCV003043329.2), dbSNP rs762204382, ClinGen allele CA5607333.

ClinVar aggregate classification (germline): Likely benign (0 of 4 stars; one submission).

Conditions:
MYOF-related disorder. Also called: MYOF-related condition.

Allele frequency attached by ClinVar (database versions not stated): ExAC 0.00001; gnomAD exomes 0.00004; gnomAD 0.00005; TOPMed 0.00005.
gnomAD v4.1: 71 of 1,611,018 alleles (0.0044%); highest among the groups gnomAD compares: Middle Eastern, 0.017%; no homozygotes.

Submission:

PreventionGenetics, part of Exact Sciences
Classification: Likely benign for MYOF-related condition. Last evaluated: 2019-07-01. Review status: no assertion criteria provided. Collection method: clinical testing. Allele origin: germline.
Comment: This variant is classified as likely benign based on ACMG/AMP sequence variant interpretation guidelines (Richards et al. 2015 PMID: 25741868, with internal and published modifications).